The following is an entry in ClinVar:

ClinVar aggregate classification (germline): Conflicting classifications of pathogenicity. Review status: criteria provided, conflicting classifications (1 of 4 stars). 5 submissions from 5 submitters: Uncertain significance (2); Likely benign (2). 1 of the submissions does not count toward it. Last evaluated 2026-02-03.

Conditions:
Combined oxidative phosphorylation defect type 27. Also called: Combined oxidative phosphorylation deficiency 27. Identifiers: Orphanet 477774, MedGen C5567608, MONDO:0014728, OMIM 616672.
CARS2-related disorder. Also called: CARS2-related condition.

Allele frequency attached by ClinVar (database versions not stated): gnomAD exomes 0.00026; ExAC 0.00031; gnomAD 0.00088 and 0.00094; TOPMed 0.00088; ESP Exome Variant Server 0.00092; 1000 Genomes Project 0.00140; 1000 Genomes Project 30x 0.00141.
gnomAD v4.1: 335 of 1,558,124 alleles (0.022%); highest among the groups gnomAD compares: African/African-American, 0.33%; no homozygotes.

Submissions (5):

Labcorp Genetics (formerly Invitae), Labcorp
Classification: Likely benign for Combined oxidative phosphorylation defect type 27. Last evaluated: 2026-02-03. Review status: criteria provided, single submitter. Criteria: Invitae Variant Classification Sherloc (09022015). Collection method: clinical testing. Allele origin: germline.

Mayo Clinic Laboratories, Mayo Clinic
Classification: Likely benign. Last evaluated: 2025-03-12. Review status: criteria provided, single submitter. Criteria: ACMG Guidelines, 2015. Collection method: clinical testing. Allele origin: germline. Observed: 2 variant alleles.
Comment: BS1, BP4

GeneDx
Classification: Uncertain significance. Last evaluated: 2020-02-10. Review status: criteria provided, single submitter. Criteria: GeneDx Variant Classification Process June 2021. Collection method: clinical testing. Allele origin: germline. Affected: yes.
Comment: Has not been previously published as pathogenic or benign to our knowledge; In silico analysis supports that this missense variant has a deleterious effect on protein structure/function

Baylor Genetics
Classification: Uncertain significance for Combined oxidative phosphorylation defect type 27. Last evaluated: 2019-06-19. Review status: criteria provided, single submitter. Criteria: ACMG Guidelines, 2015. Collection method: clinical testing. Allele origin: unknown. Affected: yes.
Comment: This variant was determined to be of uncertain significance according to ACMG Guidelines, 2015 [PMID:25741868].

PreventionGenetics, part of Exact Sciences
Classification: Likely benign for CARS2-related condition. Last evaluated: 2020-01-20. Review status: no assertion criteria provided. Collection method: clinical testing. Allele origin: germline. Not counted in ClinVar's aggregate classification.
Comment: This variant is classified as likely benign based on ACMG/AMP sequence variant interpretation guidelines (Richards et al. 2015 PMID: 25741868, with internal and published modifications).

NM_024537.4(CARS2):c.302G>A (p.Arg101Gln)

Gene: CARS2 (cysteinyl-tRNA synthetase 2, mitochondrial; minus strand). Cytogenetic location: 13q34.
Variant type: single nucleotide variant.
Coding change: c.302G>A on transcript NM_024537.4 (MANE Select); coding-DNA position 302, G replaced by A.
Protein change: p.Arg101Gln; replaces arginine 101 with glutamine.
Molecular consequence: missense variant. On other transcripts: 5 prime UTR variant (1), non-coding transcript variant (2).
Genome position (GRCh38, 1-based): chr13:110,701,529, C>T on the plus strand (G>A on the coding strand, the complement: CARS2 is on the minus strand). VCF-style: chr13-110701529-C-T. GRCh37 (hg19) VCF-style: chr13-111353876-C-T.
Other names: p.Arg101Gln; c.-698G>A (NM_001352252.2); c.302G>A, p.Arg101Gln (NM_001352253.3); short protein forms R101Q.
Identifiers: ClinVar variation 475628 (VCV000475628.20), dbSNP rs112070421, ClinGen allele CA7052313.